The following is an entry in ClinVar:

NM_022370.4(ROBO3):c.160+12C>T

Gene: ROBO3 (roundabout guidance receptor 3; plus strand). Cytogenetic location: 11q24.2.
Variant type: single nucleotide variant.
Coding change: c.160+12C>T on transcript NM_022370.4 (MANE Select); 12 bases into the intron after coding-DNA position 160, C replaced by T.
Molecular consequence: intron variant.
Genome position (GRCh38, 1-based): chr11:124,865,749, C>T. VCF-style: chr11-124865749-C-T. GRCh37 (hg19) VCF-style: chr11-124735645-C-T.
Identifiers: ClinVar variation 303220 (VCV000303220.6), dbSNP rs145440217, ClinGen allele CA6343099.
Genomic context (GRCh38, chr11:124,865,749, plus strand): 5'-GCGGCGCTCAACCACACCCTGCTGCCTCCCGGCGATCCCTCTCTCAACGGTGAGACCCTG[C>T]CTCTTGGGGATATGGGATCCTGGGATGGGGATGAGGTGAGAGGGCGGCGTGGAAGGGAAG-3'

ClinVar aggregate classification (germline): Likely benign. Review status: criteria provided, multiple submitters, no conflicts (2 of 4 stars). 2 submissions from 2 submitters: Likely benign (2). Last evaluated 2024-01-30.

Conditions:
Gaze palsy, familial horizontal, with progressive scoliosis 1 (HGPPS1). Identifiers: Orphanet 2744, MedGen C4551964, MONDO:0020790, OMIM 607313.

Allele frequency attached by ClinVar (database versions not stated): gnomAD 0.00010; TOPMed 0.00038; 1000 Genomes Project 30x 0.00062; 1000 Genomes Project 0.00080.
gnomAD v4.1: 536 of 1,598,900 alleles (0.034%); highest among the groups gnomAD compares: East Asian, 1.2%; 3 homozygotes.

Submissions (2):

Blueprint Genetics
Classification: Likely benign. Last evaluated: 2024-01-30. Review status: criteria provided, single submitter. Criteria: ACMG Guidelines, 2015. Collection method: clinical testing. Allele origin: germline.

Illumina Laboratory Services, Illumina
Classification: Likely benign for Gaze palsy, familial horizontal, with progressive scoliosis 1. Last evaluated: 2018-01-13. Review status: criteria provided, single submitter. Criteria: ICSL Variant Classification Criteria 13 December 2019. Collection method: clinical testing. Allele origin: germline.
Comment: This variant was observed in the ICSL laboratory as part of a predisposition screen in an ostensibly healthy population. It had not been previously curated by ICSL or reported in the Human Gene Mutation Database (HGMD: prior to June 1st, 2018), and was therefore a candidate for classification through an automated scoring system. Utilizing variant allele frequency, disease prevalence and penetrance estimates, and inheritance mode, an automated score was calculated to assess if this variant is too frequent to cause the disease. Based on the score and internal cut-off values, a variant classified as likely benign is not then subjected to further curation. The score for this variant resulted in a classification of likely benign for this disease.